The following is an entry in ClinVar:

ClinVar aggregate classification (germline): Uncertain significance. Review status: criteria provided, multiple submitters, no conflicts (2 of 4 stars). 4 submissions from 4 submitters: Uncertain significance (3). 1 of the submissions does not count toward it. Last evaluated 2022-05-28.

Conditions:
Temtamy preaxial brachydactyly syndrome (TPBS). Identifiers: Orphanet 363417, MedGen C1854466, MONDO:0011533, OMIM 605282.
CHSY1-related disorder. Also called: CHSY1-related condition.
Inborn genetic diseases. Identifiers: MedGen C0950123, MeSH D030342.

Allele frequency attached by ClinVar (database versions not stated): ExAC 0.00015; gnomAD 0.00015 and 0.00017; gnomAD exomes 0.00015 and 0.00025; TOPMed 0.00018; ESP Exome Variant Server 0.00062.
gnomAD v4.1: 382 of 1,614,092 alleles (0.024%); highest among the groups gnomAD compares: Non-Finnish European, 0.03%; no homozygotes.

Submissions (4):

Labcorp Genetics (formerly Invitae), Labcorp
Classification: Uncertain significance for Temtamy preaxial brachydactyly syndrome. Last evaluated: 2022-05-28. Review status: criteria provided, single submitter. Criteria: Invitae Variant Classification Sherloc (09022015). Collection method: clinical testing. Allele origin: germline.
Comment: This sequence change replaces isoleucine, which is neutral and non-polar, with leucine, which is neutral and non-polar, at codon 534 of the CHSY1 protein (p.Ile534Leu). This variant is present in population databases (rs141305214, gnomAD 0.04%). This variant has not been reported in the literature in individuals affected with CHSY1-related conditions. ClinVar contains an entry for this variant (Variation ID: 947829). Algorithms developed to predict the effect of missense changes on protein structure and function (SIFT, PolyPhen-2, Align-GVGD) all suggest that this variant is likely to be tolerated. In summary, the available evidence is currently insufficient to determine the role of this variant in disease. Therefore, it has been classified as a Variant of Uncertain Significance.

Fulgent Genetics
Classification: Uncertain significance for Temtamy preaxial brachydactyly syndrome. Last evaluated: 2021-09-08. Review status: criteria provided, single submitter. Criteria: ACMG Guidelines, 2015. Collection method: clinical testing. Allele origin: unknown.

Ambry Genetics
Classification: Uncertain significance for Inborn genetic diseases. Last evaluated: 2021-03-17. Review status: criteria provided, single submitter. Criteria: Ambry Variant Classification Scheme 2023. Collection method: clinical testing. Allele origin: germline.
Comment: The c.1600A>T (p.I534L) alteration is located in exon 3 (coding exon 3) of the CHSY1 gene. This alteration results from a A to T substitution at nucleotide position 1600, causing the isoleucine (I) at amino acid position 534 to be replaced by a leucine (L). The p.I534L alteration is predicted to be tolerated by in silico analysis. Based on insufficient or conflicting evidence, the clinical significance of this alteration remains unclear.

PreventionGenetics, part of Exact Sciences
Classification: Uncertain significance for CHSY1-related condition. Last evaluated: 2024-08-19. Review status: no assertion criteria provided. Collection method: clinical testing. Allele origin: germline. Not counted in ClinVar's aggregate classification.
Comment: The CHSY1 c.1600A>T variant is predicted to result in the amino acid substitution p.Ile534Leu. To our knowledge, this variant has not been reported in the literature. This variant is reported in 0.040% of alleles in individuals of European (Finnish) descent in gnomAD. At this time, the clinical significance of this variant is uncertain due to the absence of conclusive functional and genetic evidence.

NM_014918.5(CHSY1):c.1600A>T (p.Ile534Leu)

Gene: CHSY1 (chondroitin sulfate synthase 1; minus strand). Cytogenetic location: 15q26.3.
Variant type: single nucleotide variant.
Coding change: c.1600A>T on transcript NM_014918.5 (MANE Select); coding-DNA position 1600, A replaced by T.
Protein change: p.Ile534Leu; replaces isoleucine 534 with leucine.
Molecular consequence: missense variant.
Genome position (GRCh38, 1-based): chr15:101,178,197, T>A on the plus strand (A>T on the coding strand, the complement: CHSY1 is on the minus strand). VCF-style: chr15-101178197-T-A. GRCh37 (hg19) VCF-style: chr15-101718402-T-A.
Other names: short protein forms I534L.
Identifiers: ClinVar variation 947829 (VCV000947829.6), dbSNP rs141305214, ClinGen allele CA7762498.